The following is an entry in ClinVar:

NM_199355.4(ADAMTS18):c.2364C>G (p.Tyr788Ter)

Gene: ADAMTS18 (ADAM metallopeptidase with thrombospondin type 1 motif 18; minus strand). Cytogenetic location: 16q23.1.
Variant type: single nucleotide variant.
Coding change: c.2364C>G on transcript NM_199355.4 (MANE Select); coding-DNA position 2364, C replaced by G.
Protein change: p.Tyr788Ter; replaces tyrosine 788 with a stop codon.
Molecular consequence: nonsense.
Genome position (GRCh38, 1-based): chr16:77,320,017, G>C on the plus strand (C>G on the coding strand, the complement: ADAMTS18 is on the minus strand). VCF-style: chr16-77320017-G-C. GRCh37 (hg19) VCF-style: chr16-77353914-G-C.
Other names: c.1848C>G, p.Tyr616Ter (NM_001326358.2); short protein forms Y616*, Y788*.
Identifiers: ClinVar variation 2099755 (VCV002099755.4), dbSNP rs777518062, ClinGen allele CA8180937.
Genomic context (GRCh38, chr16:77,320,017, plus strand): 5'-CCAGTCGATGCTCCAGCCCCCGGTGAGGTAATACTTTTGACTGAGGCTTCGAACTGCGAG[G>C]TAACTGGAGGAAACCTGCAGCTCCTGGATTTCGATGCTTCGGGCGCCAGCTGGAATGAGG-3'

ClinVar aggregate classification (germline): Pathogenic (1 of 4 stars; one submission).

Allele frequency attached by ClinVar (database versions not stated): gnomAD 0.00001; TOPMed below 0.00001; ExAC 0.00001.
gnomAD v4.1: 125 of 1,614,050 alleles (0.0077%); highest among the groups gnomAD compares: Non-Finnish European, 0.01%; no homozygotes.

Submission:

Labcorp Genetics (formerly Invitae), Labcorp
Classification: Pathogenic. Last evaluated: 2025-02-10. Review status: criteria provided, single submitter. Criteria: Invitae Variant Classification Sherloc (09022015). Collection method: clinical testing. Allele origin: germline.
Comment: This sequence change creates a premature translational stop signal (p.Tyr788*) in the ADAMTS18 gene. It is expected to result in an absent or disrupted protein product. Loss-of-function variants in ADAMTS18 are known to be pathogenic (PMID: 23818446, 24874986). This variant is present in population databases (rs777518062, gnomAD 0.006%). This variant has not been reported in the literature in individuals affected with ADAMTS18-related conditions. ClinVar contains an entry for this variant (Variation ID: 2099755). For these reasons, this variant has been classified as Pathogenic.

Literature cited by the submitters: PubMed 23818446; PubMed 24874986.